The following is an entry in ClinVar:

NM_000466.3(PEX1):c.1991T>C (p.Leu664Pro)

Gene: PEX1 (peroxisomal biogenesis factor 1; minus strand). Cytogenetic location: 7q21.2.
Variant type: single nucleotide variant.
Coding change: c.1991T>C on transcript NM_000466.3 (MANE Select); coding-DNA position 1991, T replaced by C.
Protein change: p.Leu664Pro; replaces leucine 664 with proline.
Molecular consequence: missense variant. On other transcripts: intron variant (1).
Genome position (GRCh38, 1-based): chr7:92,504,812, A>G on the plus strand (T>C on the coding strand, the complement: PEX1 is on the minus strand). VCF-style: chr7-92504812-A-G. GRCh37 (hg19) VCF-style: chr7-92134126-A-G.
Other names: c.1367T>C, p.Leu456Pro (NM_001282678.2); c.1900+1436T>C (NM_001282677.2); short protein forms L664P, L456P.
Identifiers: ClinVar variation 7517 (VCV000007517.25), dbSNP rs121434455, ClinGen allele CA254194.

ClinVar aggregate classification (germline): Conflicting classifications of pathogenicity. Review status: criteria provided, conflicting classifications (1 of 4 stars). 8 submissions from 8 submitters: Likely pathogenic (5); Uncertain significance (1). 2 of the submissions do not count toward it. Last evaluated 2026-05-05.

Conditions:
Peroxisome biogenesis disorder 1A (Zellweger) (PBD1A). Also called: Peroxisome biogenesis disorder 1a; Zellweger leukodystrophy. Identifiers: MedGen C4721541, MONDO:0008953, OMIM 214100.
Heimler syndrome 1 (HMLR1). Also called: PEROXISOME BIOGENESIS DISORDER 1C. Identifiers: Orphanet 3220, MedGen C4551980, OMIM 234580, MONDO:0024544.
Peroxisome biogenesis disorder 1B (PBD1B). Also called: PEROXISOME BIOGENESIS DISORDER (NEONATAL ADRENOLEUKODYSTROPHY/INFANTILE REFSUM DISEASE); INFANTILE PHYTANIC ACID STORAGE DISEASE; PEROXISOME BIOGENESIS DISORDER (NALD/IRD); ADRENOLEUKODYSTROPHY, AUTOSOMAL NEONATAL; Refsum disease, infantile form; Infantile Refsum disease. Identifiers: Orphanet 44, MedGen C0282527, MONDO:0011101, OMIM 601539.
Zellweger spectrum disorders (ZS). Also called: Zellweger Spectrum Disorder (ZSD); Zellweger syndrome; Zellweger Spectrum; Zellweger Spectrum Disorder. Identifiers: Orphanet 912, MedGen C0043459, MONDO:0019609.
Peroxisome biogenesis disorder. Identifiers: Orphanet 79189, MedGen C1832200, MONDO:0019234. Disease mechanism: loss of function.

Allele frequency attached by ClinVar (database versions not stated): gnomAD exomes below 0.00001; gnomAD 0.00001; TOPMed 0.00001.
gnomAD v4.1: 4 of 1,614,020 alleles (0.00025%); highest among the groups gnomAD compares: Non-Finnish European, 0.00034%; no homozygotes.

Submissions (8):

Myriad Genetics, Inc.
Classification: Uncertain significance for Peroxisome biogenesis disorder. Last evaluated: 2026-05-05. Review status: criteria provided, single submitter. Criteria: Myriad Autosomal Dominant, Autosomal Recessive and X-Linked Classification Criteria (2023). Collection method: clinical testing. Allele origin: unknown.
Comment: NM_000466.2(PEX1):c.1991T>C(L664P) is a missense variant classified as a variant of uncertain significance in the context of peroxisome biogenesis disorder type 1. L664P has been observed in a case with relevant disease (PMID: 9539740). Relevant functional assessments of this variant are available in the literature (PMID: 9539740, 11439091, 16854980). L664P has not been observed in referenced population frequency databases. In summary, there is insufficient evidence to classify NM_000466.2(PEX1):c.1991T>C(L664P) as pathogenic or benign. Please note: this variant was assessed in the context of healthy population screening.

Natera, Inc.
Classification: Likely pathogenic for Zellweger syndrome. Last evaluated: 2025-08-12. Review status: criteria provided, single submitter. Criteria: Natera Variant Classification Schema (03/2026). Collection method: clinical testing. Allele origin: germline.
Comment: The c.1991T>C variant in PEX1 is a missense variant predicted to cause substitution of leucine to proline at amino acid 664. This variant is rare in the general population with a frequency below the threshold expected for the associated phenotype(s). This variant has been observed in one or more individuals affected with the associated recessive disease, as either homozygous or compound heterozygous with a second variant (PMID: 9539740). Functional studies show that this variant may disrupt protein function (PMID: 9539740). Computational prediction algorithms indicate this variant is likely to affect gene or protein function. Given the available evidence, this variant is classified as Likely Pathogenic.

Baylor Genetics
Classification: Likely pathogenic for Heimler syndrome 1. Last evaluated: 2024-01-03. Review status: criteria provided, single submitter. Criteria: ACMG Guidelines, 2015. Collection method: clinical testing. Allele origin: unknown.

Labcorp Genetics (formerly Invitae), Labcorp
Classification: Likely pathogenic for Zellweger spectrum disorders. Last evaluated: 2023-07-24. Review status: criteria provided, single submitter. Criteria: Invitae Variant Classification Sherloc (09022015). Collection method: clinical testing. Allele origin: germline.
Comment: In summary, the currently available evidence indicates that the variant is pathogenic, but additional data are needed to prove that conclusively. Therefore, this variant has been classified as Likely Pathogenic. Experimental studies have shown that this missense change affects PEX1 function (PMID: 9539740, 11439091). Advanced modeling of protein sequence and biophysical properties (such as structural, functional, and spatial information, amino acid conservation, physicochemical variation, residue mobility, and thermodynamic stability) has been performed at Invitae for this missense variant, however the output from this modeling did not meet the statistical confidence thresholds required to predict the impact of this variant on PEX1 protein function. ClinVar contains an entry for this variant (Variation ID: 7517). This missense change has been observed in individual(s) with Zellweger syndrome (PMID: 9539740). In at least one individual the data is consistent with being in trans (on the opposite chromosome) from a pathogenic variant. This variant is not present in population databases (gnomAD no frequency). This sequence change replaces leucine, which is neutral and non-polar, with proline, which is neutral and non-polar, at codon 664 of the PEX1 protein (p.Leu664Pro).

Mayo Clinic Laboratories, Mayo Clinic
Classification: Likely pathogenic. Last evaluated: 2023-04-12. Review status: criteria provided, single submitter. Criteria: ACMG Guidelines, 2015. Collection method: clinical testing. Allele origin: germline. Observed: 1 variant allele.
Comment: PP3, PM2, PS3

Fulgent Genetics
Classification: Likely pathogenic for Peroxisome biogenesis disorder 1A (Zellweger); Heimler syndrome 1; Peroxisome biogenesis disorder 1B. Last evaluated: 2018-10-31. Review status: criteria provided, single submitter. Criteria: ACMG Guidelines, 2015. Collection method: clinical testing. Allele origin: unknown.

Counsyl
Classification: Likely pathogenic for Zellweger syndrome. Last evaluated: 2014-06-05. Review status: no assertion criteria provided. Collection method: literature only. Allele origin: unknown. Inheritance: Autosomal recessive inheritance. Not counted in ClinVar's aggregate classification.

OMIM
Classification: Pathogenic for PEROXISOME BIOGENESIS DISORDER 1A (ZELLWEGER). Last evaluated: 1998-04-14. Review status: no assertion criteria provided. Collection method: literature only. Allele origin: germline. Not counted in ClinVar's aggregate classification.

Literature cited by the submitters: PubMed 11439091 (cited by 4 submitters); PubMed 16854980 (cited by Myriad Genetics, Inc.); PubMed 9539740 (cited by 6 submitters); PubMed 33708531 (cited by Mayo Clinic Laboratories, Mayo Clinic).